The following is an entry in ClinVar:

NM_000359.3(TGM1):c.932C>T (p.Pro311Leu)

Gene: TGM1 (transglutaminase 1; minus strand). Cytogenetic location: 14q12.
Variant type: single nucleotide variant.
Coding change: c.932C>T on transcript NM_000359.3 (MANE Select); coding-DNA position 932, C replaced by T.
Protein change: p.Pro311Leu; replaces proline 311 with leucine.
Molecular consequence: missense variant.
Genome position (GRCh38, 1-based): chr14:24,259,756, G>A on the plus strand (C>T on the coding strand, the complement: TGM1 is on the minus strand). VCF-style: chr14-24259756-G-A. GRCh37 (hg19) VCF-style: chr14-24728962-G-A.
Other names: short protein forms P311L.
Identifiers: ClinVar variation 5007983 (VCV005007983.1).

ClinVar aggregate classification (germline): Uncertain significance (1 of 4 stars; one submission).

Submission:

GeneDx
Classification: Uncertain significance. Last evaluated: 2026-02-12. Review status: criteria provided, single submitter. Criteria: GeneDx Variant Classification Process June 2021. Collection method: clinical testing. Allele origin: germline.
Comment: Not observed at significant frequency in large population cohorts (gnomAD); In silico analysis supports that this missense variant has a deleterious effect on protein structure/function; Has not been previously published as pathogenic or benign to our knowledge